The following is an entry in ClinVar:

NM_000130.5(F5):c.3961_4068del (p.Ile1321_Pro1356del)

Gene: F5 (coagulation factor V; minus strand). Cytogenetic location: 1q24.2.
Variant type: Deletion.
Coding change: c.3961_4068del on transcript NM_000130.5 (MANE Select); coding-DNA positions 3961 to 4068, 108 bases deleted.
Protein change: p.Ile1321_Pro1356del.
Molecular consequence: inframe deletion.
Genome position (GRCh38, 1-based): chr1:169,541,022-169,541,129, 108 bases deleted. GRCh37 (hg19): chr1:169,510,293-169,510,400.
Identifiers: ClinVar variation 5005200 (VCV005005200.2).

ClinVar aggregate classification (germline): Uncertain significance (1 of 4 stars; one submission).

Conditions:
Congenital factor V deficiency. Also called: OWREN PARAHEMOPHILIA; PARAHEMOPHILIA; Hereditary factor V deficiency disease; LABILE FACTOR DEFICIENCY. Identifiers: Orphanet 326, MedGen C0015499, MONDO:0009210, OMIM 227400.
Thrombophilia due to activated protein C resistance (THPH2). Also called: Hereditary Resistance to Activated Protein C; PCCF DEFICIENCY; PROC COFACTOR DEFICIENCY; THROMBOPHILIA DUE TO DEFICIENCY OF ACTIVATED PROTEIN C COFACTOR; THROMBOPHILIA V; APC resistance. Identifiers: MedGen C1861171, MONDO:0008560, OMIM 188055. Disease mechanism: loss of function, gain of function.
Budd-Chiari syndrome (BDCHS). Also called: Hepatic vein obstruction. Identifiers: Orphanet 131, MedGen C0856761, MONDO:0010947, OMIM 600880, HP:0002639.
Ischemic stroke. Also called: CEREBROVASCULAR ACCIDENT; Ischemic stroke, susceptibility to. Identifiers: MedGen C0948008, MONDO:1060198, OMIM 601367, HP:0002140.
Pregnancy loss, recurrent, susceptibility to, 1 (RPRGL1). Also called: EMBRYONIC LOSS, RECURRENT; MISCARRIAGE, RECURRENT; STILLBIRTH, RECURRENT; FETAL LOSS, RECURRENT, SUSCEPTIBILITY TO. Identifiers: MedGen C3280670, MONDO:0013727, OMIM 614389.

Submission:

Juno Genomics, Hangzhou Juno Genomics, Inc
Classification: Uncertain significance for Budd-Chiari syndrome; Pregnancy loss, recurrent, susceptibility to, 1; Ischemic stroke; Thrombophilia due to activated protein C resistance; Congenital factor V deficiency. Review status: criteria provided, single submitter. Criteria: ACMG Guidelines, 2015. Collection method: clinical testing. Allele origin: germline.
Comment: Absent from controls (or at extremely low frequency if recessive) in Genome Aggregation Database.;Protein length changes due to in-frame deletions/insertions in a non-repeat region or stop-loss variants.